The following is an entry in ClinVar:

NM_020832.3(ZNF687):c.830A>G (p.Lys277Arg)

Gene: ZNF687 (zinc finger protein 687; plus strand). Cytogenetic location: 1q21.3.
Variant type: single nucleotide variant.
Coding change: c.830A>G on transcript NM_020832.3 (MANE Select); coding-DNA position 830, A replaced by G.
Protein change: p.Lys277Arg; replaces lysine 277 with arginine.
Molecular consequence: missense variant.
Genome position (GRCh38, 1-based): chr1:151,287,121, A>G. VCF-style: chr1-151287121-A-G. GRCh37 (hg19) VCF-style: chr1-151259597-A-G.
Other names: c.830A>G (NM_020832.1); c.830A>G, p.Lys277Arg (NM_001304763.2, NM_001304764.2); short protein forms K277R.
Identifiers: ClinVar variation 2191103 (VCV002191103.5), dbSNP rs752734599, ClinGen allele CA1088226.

ClinVar aggregate classification (germline): Uncertain significance. Review status: criteria provided, multiple submitters, no conflicts (2 of 4 stars). 2 submissions from 2 submitters: Uncertain significance (2). Last evaluated 2025-07-13.

Allele frequency attached by ClinVar (database versions not stated): gnomAD exomes below 0.00001; ExAC 0.00002; TOPMed 0.00003.
gnomAD v4.1: 5 of 1,614,022 alleles (0.00031%); highest among the groups gnomAD compares: South Asian, 0.0011%; no homozygotes.

Submissions (2):

Labcorp Genetics (formerly Invitae), Labcorp
Classification: Uncertain significance. Last evaluated: 2025-07-13. Review status: criteria provided, single submitter. Criteria: Invitae Variant Classification Sherloc (09022015). Collection method: clinical testing. Allele origin: germline.
Comment: This sequence change replaces lysine, which is basic and polar, with arginine, which is basic and polar, at codon 277 of the ZNF687 protein (p.Lys277Arg). This variant is present in population databases (rs752734599, gnomAD 0.0009%). This variant has not been reported in the literature in individuals affected with ZNF687-related conditions. ClinVar contains an entry for this variant (Variation ID: 2191103). An algorithm developed to predict the effect of missense changes on protein structure and function (PolyPhen-2) suggests that this variant is likely to be tolerated. Algorithms developed to predict the effect of sequence changes on RNA splicing suggest that this variant may create or strengthen a splice site. In summary, the available evidence is currently insufficient to determine the role of this variant in disease. Therefore, it has been classified as a Variant of Uncertain Significance.

Ambry Genetics
Classification: Uncertain significance. Last evaluated: 2024-01-04. Review status: criteria provided, single submitter. Criteria: Ambry Variant Classification Scheme 2023. Collection method: clinical testing. Allele origin: germline.